The following is an entry in ClinVar:

ClinVar aggregate classification (germline): Benign/Likely benign. Review status: criteria provided, multiple submitters, no conflicts (2 of 4 stars). 3 submissions from 3 submitters: Benign (1); Likely benign (2). Last evaluated 2025-04-27.

Conditions:
Familial hypobetalipoproteinemia 1. Also called: APOB-Related Familial Hypobetalipoproteinemia; Hypobetalipoproteinemia, normotriglyceridemic; Acanthocytosis with hypobetalipoproteinemia. Identifiers: MedGen C4551990, MONDO:0014252, OMIM 615558.
Hypercholesterolemia, autosomal dominant, type B (FHCL2). Also called: Hyperlipoproteinemia Type IIb; Familial hypercholesterolemia 2; Familial Hypercholesterolemia Type B; APOLIPOPROTEIN B-100, FAMILIAL DEFECTIVE; APOLIPOPROTEIN B-100, FAMILIAL LIGAND-DEFECTIVE; HYPERCHOLESTEROLEMIA, FAMILIAL, DUE TO LIGAND-DEFECTIVE APOLIPOPROTEIN B. Identifiers: MedGen C1704417, MONDO:0007751, OMIM 144010.
Familial hypercholesterolemia. Also called: Familial hypercholesterolemias; Familial hypercholesterolaemia. Identifiers: MedGen C0020445, MONDO:0005439.
Cardiovascular phenotype. Identifiers: MedGen CN230736.

Allele frequency attached by ClinVar (database versions not stated): gnomAD exomes below 0.00001; TOPMed 0.00002; gnomAD 0.00005.
gnomAD v4.1: 12 of 1,613,908 alleles (0.00074%); highest among the groups gnomAD compares: African/African-American, 0.012%; no homozygotes.

Submissions (3):

Labcorp Genetics (formerly Invitae), Labcorp
Classification: Benign for Familial hypobetalipoproteinemia 1; Hypercholesterolemia, autosomal dominant, type B. Last evaluated: 2025-04-27. Review status: criteria provided, single submitter. Criteria: Invitae Variant Classification Sherloc (09022015). Collection method: clinical testing. Allele origin: germline.

GENinCode PLC
Classification: Likely benign for Familial hypercholesterolemia. Last evaluated: 2023-02-21. Review status: criteria provided, single submitter. Criteria: ACMG Guidelines, 2015. Collection method: clinical testing. Allele origin: germline.
Comment: This is a synonymous (silent) variant that is not predicted by SpliceAI to impact splicing. In addition, it occurs at a nucleotide that is not conserved. Therefore this variant has been classified as Likely Benign (BP4, BP7).

Ambry Genetics
Classification: Likely benign for Cardiovascular phenotype. Last evaluated: 2020-10-17. Review status: criteria provided, single submitter. Criteria: Ambry Variant Classification Scheme 2023. Collection method: clinical testing. Allele origin: germline.

NM_000384.3(APOB):c.6978G>A (p.Gly2326=)

Gene: APOB (apolipoprotein B; minus strand). Cytogenetic location: 2p24.1.
Variant type: single nucleotide variant.
Coding change: c.6978G>A on transcript NM_000384.3 (MANE Select); coding-DNA position 6978, G replaced by A.
Protein change: p.Gly2326=; no amino-acid change (glycine 2326 retained).
Molecular consequence: synonymous variant.
Genome position (GRCh38, 1-based): chr2:21,009,890, C>T on the plus strand (G>A on the coding strand, the complement: APOB is on the minus strand). VCF-style: chr2-21009890-C-T. GRCh37 (hg19) VCF-style: chr2-21232762-C-T.
Identifiers: ClinVar variation 1756407 (VCV001756407.6), dbSNP rs542336755, ClinGen allele CA43504571.